The following is an entry in ClinVar:

ClinVar aggregate classification (germline): Uncertain significance (1 of 4 stars; one submission).

Conditions:
Hepatic methionine adenosyltransferase deficiency. Also called: Isolated Persistent Hypermethioninemia; MAT I/III DEFICIENCY; Deficiency of methionine adenosyltransferase; Methionine adenosyltransferase deficiency. Identifiers: Orphanet 168598, MedGen C0268621, MeSH C564683, MONDO:0009607, OMIM 250850.

Allele frequency attached by ClinVar (database versions not stated): gnomAD exomes below 0.00001; TOPMed below 0.00001; ExAC 0.00001.
gnomAD v4.1: 2 of 1,614,174 alleles (0.00012%); highest among the groups gnomAD compares: Admixed American, 0.0017%; no homozygotes.

Submission:

Labcorp Genetics (formerly Invitae), Labcorp
Classification: Uncertain significance for Hepatic methionine adenosyltransferase deficiency. Last evaluated: 2022-12-22. Review status: criteria provided, single submitter. Criteria: Invitae Variant Classification Sherloc (09022015). Collection method: clinical testing. Allele origin: germline.
Comment: This sequence change replaces methionine, which is neutral and non-polar, with valine, which is neutral and non-polar, at codon 74 of the MAT1A protein (p.Met74Val). This variant is present in population databases (rs747815586, gnomAD 0.003%). This variant has not been reported in the literature in individuals affected with MAT1A-related conditions. Advanced modeling of protein sequence and biophysical properties (such as structural, functional, and spatial information, amino acid conservation, physicochemical variation, residue mobility, and thermodynamic stability) performed at Invitae indicates that this missense variant is not expected to disrupt MAT1A protein function. In summary, the available evidence is currently insufficient to determine the role of this variant in disease. Therefore, it has been classified as a Variant of Uncertain Significance.

NM_000429.3(MAT1A):c.220A>G (p.Met74Val)

Gene: MAT1A (methionine adenosyltransferase 1A; minus strand). Cytogenetic location: 10q22.3.
Variant type: single nucleotide variant.
Coding change: c.220A>G on transcript NM_000429.3 (MANE Select); coding-DNA position 220, A replaced by G.
Protein change: p.Met74Val; replaces methionine 74 with valine.
Molecular consequence: missense variant.
Genome position (GRCh38, 1-based): chr10:80,283,988, T>C on the plus strand (A>G on the coding strand, the complement: MAT1A is on the minus strand). VCF-style: chr10-80283988-T-C. GRCh37 (hg19) VCF-style: chr10-82043744-T-C.
Other names: short protein forms M74V.
Identifiers: ClinVar variation 1986526 (VCV001986526.4), dbSNP rs747815586, ClinGen allele CA5576853.